The following is an entry in ClinVar:

ClinVar aggregate classification (germline): Uncertain significance. Review status: criteria provided, multiple submitters, no conflicts (2 of 4 stars). 5 submissions from 5 submitters: Uncertain significance (3). 2 of the submissions do not count toward it. Last evaluated 2025-08-11.

Conditions:
Cardiovascular phenotype. Identifiers: MedGen CN230736.
Hypertrophic cardiomyopathy 15. Identifiers: MedGen C2750459, MONDO:0013200, OMIM 613255.
Dilated cardiomyopathy 1W (CMD1W). Identifiers: Orphanet 154, MedGen C1969639, MONDO:0012667, OMIM 611407.

Allele frequency attached by ClinVar (database versions not stated): ExAC 0.00001; gnomAD 0.00001; gnomAD exomes 0.00001 and 0.00002; TOPMed 0.00001.
gnomAD v4.1: 23 of 1,614,028 alleles (0.0014%); highest among the groups gnomAD compares: Non-Finnish European, 0.0019%; no homozygotes.

Submissions (5):

Labcorp Genetics (formerly Invitae), Labcorp
Classification: Uncertain significance for Dilated cardiomyopathy 1W. Last evaluated: 2025-08-11. Review status: criteria provided, single submitter. Criteria: Invitae Variant Classification Sherloc (09022015). Collection method: clinical testing. Allele origin: germline.
Comment: This sequence change replaces arginine, which is basic and polar, with glutamine, which is neutral and polar, at codon 762 of the VCL protein (p.Arg762Gln). This variant is present in population databases (rs540039788, gnomAD 0.003%). This variant has not been reported in the literature in individuals affected with VCL-related conditions. ClinVar contains an entry for this variant (Variation ID: 640172). An algorithm developed to predict the effect of missense changes on protein structure and function (PolyPhen-2) suggests that this variant is likely to be disruptive. In summary, the available evidence is currently insufficient to determine the role of this variant in disease. Therefore, it has been classified as a Variant of Uncertain Significance.

Ambry Genetics
Classification: Uncertain significance for Cardiovascular phenotype. Last evaluated: 2025-02-09. Review status: criteria provided, single submitter. Criteria: Ambry Variant Classification Scheme 2023. Collection method: clinical testing. Allele origin: germline.

Fulgent Genetics
Classification: Uncertain significance for Dilated cardiomyopathy 1W; Hypertrophic cardiomyopathy 15. Last evaluated: 2021-07-07. Review status: criteria provided, single submitter. Criteria: ACMG Guidelines, 2015. Collection method: clinical testing. Allele origin: unknown.

Genome Diagnostics Laboratory, University Medical Center Utrecht
Classification: Uncertain significance. Review status: no assertion criteria provided. Collection method: clinical testing. Allele origin: germline. Affected: yes. Study: VKGL Data-share Consensus. Not counted in ClinVar's aggregate classification.

Joint Genome Diagnostic Labs from Nijmegen and Maastricht, Radboudumc and MUMC+
Classification: Uncertain significance. Review status: no assertion criteria provided. Collection method: clinical testing. Allele origin: germline. Affected: yes. Study: VKGL Data-share Consensus. Not counted in ClinVar's aggregate classification.

NM_014000.3(VCL):c.2285G>A (p.Arg762Gln)

Gene: VCL (vinculin; plus strand). Cytogenetic location: 10q22.2.
Variant type: single nucleotide variant.
Coding change: c.2285G>A on transcript NM_014000.3 (MANE Select); coding-DNA position 2285, G replaced by A.
Protein change: p.Arg762Gln; replaces arginine 762 with glutamine.
Molecular consequence: missense variant.
Genome position (GRCh38, 1-based): chr10:74,105,204, G>A. VCF-style: chr10-74105204-G-A. GRCh37 (hg19) VCF-style: chr10-75864962-G-A.
Other names: c.2285G>A, p.Arg762Gln (NM_003373.4); short protein forms R762Q.
Identifiers: ClinVar variation 640172 (VCV000640172.14), dbSNP rs540039788, ClinGen allele CA5563187.